The following is an entry in ClinVar:

NM_001737.5(C9):c.811C>T (p.Arg271Trp)

Gene: C9 (complement C9; minus strand). Cytogenetic location: 5p13.1.
Variant type: single nucleotide variant.
Coding change: c.811C>T on transcript NM_001737.5 (MANE Select); coding-DNA position 811, C replaced by T.
Protein change: p.Arg271Trp; replaces arginine 271 with tryptophan.
Molecular consequence: missense variant.
Genome position (GRCh38, 1-based): chr5:39,315,834, G>A on the plus strand (C>T on the coding strand, the complement: C9 is on the minus strand). VCF-style: chr5-39315834-G-A. GRCh37 (hg19) VCF-style: chr5-39315936-G-A.
Other names: short protein forms R271W.
Identifiers: ClinVar variation 2876737 (VCV002876737.3), dbSNP rs757060107, ClinGen allele CA3246891.

ClinVar aggregate classification (germline): Uncertain significance (1 of 4 stars; one submission).

Allele frequency attached by ClinVar (database versions not stated): gnomAD exomes 0.00001; ExAC 0.00002.
gnomAD v4.1: 13 of 1,610,598 alleles (0.00081%); highest among the groups gnomAD compares: Admixed American, 0.0017%; no homozygotes.

Submission:

Labcorp Genetics (formerly Invitae), Labcorp
Classification: Uncertain significance. Last evaluated: 2023-07-21. Review status: criteria provided, single submitter. Criteria: Invitae Variant Classification Sherloc (09022015). Collection method: clinical testing. Allele origin: germline.
Comment: In summary, the available evidence is currently insufficient to determine the role of this variant in disease. Therefore, it has been classified as a Variant of Uncertain Significance. Advanced modeling of protein sequence and biophysical properties (such as structural, functional, and spatial information, amino acid conservation, physicochemical variation, residue mobility, and thermodynamic stability) performed at Invitae indicates that this missense variant is expected to disrupt C9 protein function. This variant has not been reported in the literature in individuals affected with C9-related conditions. This variant is present in population databases (rs757060107, gnomAD 0.02%). This sequence change replaces arginine, which is basic and polar, with tryptophan, which is neutral and slightly polar, at codon 271 of the C9 protein (p.Arg271Trp).